The following is an entry in ClinVar:

NM_001042492.3(NF1):c.7459A>G (p.Thr2487Ala)

Gene: NF1 (neurofibromin 1; plus strand). Cytogenetic location: 17q11.2.
Variant type: single nucleotide variant.
Coding change: c.7459A>G on transcript NM_001042492.3 (MANE Select); coding-DNA position 7459, A replaced by G.
Protein change: p.Thr2487Ala; replaces threonine 2487 with alanine.
Molecular consequence: missense variant.
Genome position (GRCh38, 1-based): chr17:31,352,258, A>G. VCF-style: chr17-31352258-A-G. GRCh37 (hg19) VCF-style: chr17-29679276-A-G.
Other names: c.7396A>G, p.Thr2466Ala (NM_000267.4); short protein forms T2466A, T2487A.
Identifiers: ClinVar variation 945355 (VCV000945355.6), dbSNP rs2070166547, ClinGen allele CA399017395.

ClinVar aggregate classification (germline): Uncertain significance (1 of 4 stars; one submission).

Conditions:
Neurofibromatosis, type 1 (NF1). Also called: Peripheral type neurofibromatosis; Neurofibromatosis, type I; VON RECKLINGHAUSEN DISEASE; NEUROFIBROMATOSIS, TYPE I, SOMATIC. Identifiers: Orphanet 636, MedGen C0027831, MONDO:0018975, OMIM 162200. Disease mechanism: loss of function.

Submission:

Labcorp Genetics (formerly Invitae), Labcorp
Classification: Uncertain significance for Neurofibromatosis, type 1. Last evaluated: 2019-08-18. Review status: criteria provided, single submitter. Criteria: Invitae Variant Classification Sherloc (09022015). Collection method: clinical testing. Allele origin: germline.
Comment: This variant is not present in population databases (ExAC no frequency). This sequence change replaces threonine with alanine at codon 2466 of the NF1 protein (p.Thr2466Ala). The threonine residue is moderately conserved and there is a small physicochemical difference between threonine and alanine. This variant has not been reported in the literature in individuals with NF1-related conditions. In summary, the available evidence is currently insufficient to determine the role of this variant in disease. Therefore, it has been classified as a Variant of Uncertain Significance. Algorithms developed to predict the effect of missense changes on protein structure and function output the following: SIFT: "Deleterious"; PolyPhen-2: "Benign"; Align-GVGD: "Class C0". The alanine amino acid residue is found in multiple mammalian species, suggesting that this missense change does not adversely affect protein function. These predictions have not been confirmed by published functional studies and their clinical significance is uncertain.